The following is an entry in ClinVar:

ClinVar aggregate classification (germline): Uncertain significance (1 of 4 stars; one submission).

Conditions:
Congenital muscular dystrophy due to integrin alpha-7 deficiency. Also called: Congenital muscular dystrophy with integrin alpha-7 deficiency; Muscular dystrophy, congenital, due to ITGA7 deficiency; MYOPATHY, CONGENITAL, DUE TO INTEGRIN ALPHA-7 DEFICIENCY. Identifiers: Orphanet 34520, MedGen C2750786, MONDO:0013177, OMIM 613204.

Allele frequency attached by ClinVar (database versions not stated): gnomAD exomes below 0.00001.
gnomAD v4.1: 3 of 1,614,130 alleles (0.00019%); highest among the groups gnomAD compares: African/African-American, 0.0027%; no homozygotes.

Submission:

Labcorp Genetics (formerly Invitae), Labcorp
Classification: Uncertain significance for Congenital muscular dystrophy due to integrin alpha-7 deficiency. Last evaluated: 2022-03-18. Review status: criteria provided, single submitter. Criteria: Invitae Variant Classification Sherloc (09022015). Collection method: clinical testing. Allele origin: germline.
Comment: In summary, the available evidence is currently insufficient to determine the role of this variant in disease. Therefore, it has been classified as a Variant of Uncertain Significance. Algorithms developed to predict the effect of sequence changes on RNA splicing suggest that this variant may disrupt the consensus splice site. Algorithms developed to predict the effect of missense changes on protein structure and function are either unavailable or do not agree on the potential impact of this missense change (SIFT: "Deleterious"; PolyPhen-2: "Possibly Damaging"; Align-GVGD: "Class C0"). This variant has not been reported in the literature in individuals affected with ITGA7-related conditions. This variant is not present in population databases (gnomAD no frequency). This sequence change replaces valine, which is neutral and non-polar, with methionine, which is neutral and non-polar, at codon 428 of the ITGA7 protein (p.Val428Met).

NM_002206.3(ITGA7):c.1282G>A (p.Val428Met)

Gene: ITGA7 (integrin subunit alpha 7; minus strand). Cytogenetic location: 12q13.2.
Variant type: single nucleotide variant.
Coding change: c.1282G>A on transcript NM_002206.3 (MANE Select); coding-DNA position 1282, G replaced by A.
Protein change: p.Val428Met; replaces valine 428 with methionine.
Molecular consequence: missense variant. On other transcripts: intron variant (1).
Genome position (GRCh38, 1-based): chr12:55,697,822, C>T on the plus strand (G>A on the coding strand, the complement: ITGA7 is on the minus strand). VCF-style: chr12-55697822-C-T. GRCh37 (hg19) VCF-style: chr12-56091606-C-T.
Other names: c.1294G>A, p.Val432Met (NM_001144996.2, NM_001414029.1); c.1003G>A, p.Val335Met (NM_001144997.2); c.955G>A, p.Val319Met (NM_001367993.1); c.1282G>A, p.Val428Met (NM_001374465.1, NM_001414034.1); c.1414G>A, p.Val472Met (NM_001410977.1); c.1207G>A, p.Val403Met (NM_001414030.1); c.1195G>A, p.Val399Met (NM_001414031.1); c.1162G>A, p.Val388Met (NM_001414032.1); and 3 more; short protein forms V315M, V319M, V335M, V367M, V388M, V399M, V403M, V428M.
Identifiers: ClinVar variation 2415186 (VCV002415186.6), dbSNP rs868550814, ClinGen allele CA237574420.
Genomic context (GRCh38, chr12:55,697,822, plus strand): 5'-CCAAGCTGCCTGACAGGGAGTAGCCGAAGCTCTTGATGCCCACAGCCTCGCCCTCCAGCA[C>T]CTAGAGAACCAGCTGTCAGCCTCCCTCAATCCCACCTCCCGCAGGCCTCTGCCTCCCCTG-3'
Protein context (NP_002197.2, residues 418-438): SLGVVAKPSQ[Val428Met]LEGEAVGIKS